The following is an entry in ClinVar:

NM_024649.5(BBS1):c.1235del (p.Gly412fs)

Genes: BBS1 (Bardet-Biedl syndrome 1; plus strand), ZDHHC24 (zDHHC palmitoyltransferase 24; minus strand). Cytogenetic location: 11q13.2.
Variant type: Deletion.
Coding change: c.1235del on transcript NM_024649.5 (MANE Select); coding-DNA position 1235, one base deleted (G; older notation c.1235delG).
Protein change: p.Gly412fs; shifts the reading frame from glycine 412.
Molecular consequence: frameshift variant. On other transcripts: intron variant (1).
Genome position (GRCh38, 1-based): chr11:66,526,703, G deleted; the last of 2 consecutive G bases (chr11:66,526,702-66,526,703); deleting either gives the same sequence. VCF-style (leftmost placement, unchanged base first): chr11-66526701-AG-A. GRCh37 (hg19) VCF-style: chr11-66294172-AG-A.
Other names: c.*21+234del (NM_001348571.2); short protein forms G412fs.
Identifiers: ClinVar variation 966862 (VCV000966862.9), dbSNP rs1856517666, ClinGen allele CA1139662038.

ClinVar aggregate classification (germline): Pathogenic (1 of 4 stars; one submission).

Conditions:
Bardet-Biedl syndrome (BBS). Identifiers: Orphanet 110, MedGen C0752166, MONDO:0015229.

Submission:

Labcorp Genetics (formerly Invitae), Labcorp
Classification: Pathogenic for Bardet-Biedl syndrome. Last evaluated: 2021-01-22. Review status: criteria provided, single submitter. Criteria: Invitae Variant Classification Sherloc (09022015). Collection method: clinical testing. Allele origin: germline.
Comment: For these reasons, this variant has been classified as Pathogenic. This variant has not been reported in the literature in individuals with BBS1-related conditions. ClinVar contains an entry for this variant (Variation ID: 966862). This variant is not present in population databases (ExAC no frequency). This sequence change creates a premature translational stop signal (p.Gly412Glufs*12) in the BBS1 gene. It is expected to result in an absent or disrupted protein product. Loss-of-function variants in BBS1 are known to be pathogenic (PMID: 12118255).

Literature cited by the submitters: PubMed 12118255.